The following is an entry in ClinVar:

ClinVar aggregate classification (germline): Uncertain significance (1 of 4 stars; one submission).

gnomAD v4.1: 5 of 1,613,776 alleles (0.00031%); highest among the groups gnomAD compares: Non-Finnish European, 0.00042%; no homozygotes.

Submission:

GeneDx
Classification: Uncertain significance. Last evaluated: 2025-03-27. Review status: criteria provided, single submitter. Criteria: GeneDx Variant Classification Process June 2021. Collection method: clinical testing. Allele origin: germline. Affected: yes.
Comment: Not observed at significant frequency in large population cohorts (gnomAD); In silico analysis supports that this missense variant has a deleterious effect on protein structure/function; Has not been previously published as pathogenic or benign to our knowledge

NM_182961.4(SYNE1):c.23101C>G (p.Pro7701Ala)

Gene: SYNE1 (spectrin repeat containing nuclear envelope protein 1; minus strand). Cytogenetic location: 6q25.2.
Variant type: single nucleotide variant.
Coding change: c.23101C>G on transcript NM_182961.4 (MANE Select); coding-DNA position 23101, C replaced by G.
Protein change: p.Pro7701Ala; replaces proline 7701 with alanine.
Molecular consequence: missense variant.
Genome position (GRCh38, 1-based): chr6:152,201,868, G>C on the plus strand (C>G on the coding strand, the complement: SYNE1 is on the minus strand). VCF-style: chr6-152201868-G-C. GRCh37 (hg19) VCF-style: chr6-152523003-G-C.
Other names: c.22888C>G, p.Pro7630Ala (NM_033071.5); short protein forms P7630A, P7701A.
Identifiers: ClinVar variation 4087940 (VCV004087940.1).
Genomic context (GRCh38, chr6:152,201,868, plus strand): 5'-CAGTTCAGTAATTTACCTTGCAACGCATTTGTTCTGCATGGAGCTCTTCATGGTGATCCG[G>C]GAGAGACTGCGAAAGCTTCTTTTTGAAAGTTCGTAGTTTCTCCAGGGAATCTGCTATTCC-3'
Protein context (NP_892006.3, residues 7691-7711): TFKKKLSQSL[Pro7701Ala]DHHEELHAEQ